The following is an entry in ClinVar:

NM_032043.3(BRIP1):c.1473+3A>T

Gene: BRIP1 (BRCA1 interacting DNA helicase 1; minus strand). Cytogenetic location: 17q23.2.
Variant type: single nucleotide variant.
Coding change: c.1473+3A>T on transcript NM_032043.3 (MANE Select); 3 bases into the intron after coding-DNA position 1473, A replaced by T.
Molecular consequence: intron variant.
Genome position (GRCh38, 1-based): chr17:61,793,594, T>A on the plus strand (A>T on the coding strand, the complement: BRIP1 is on the minus strand). VCF-style: chr17-61793594-T-A. GRCh37 (hg19) VCF-style: chr17-59870955-T-A.
Other names: c.1473+3A>T (NM_032043.2).
Identifiers: ClinVar variation 1465383 (VCV001465383.9), dbSNP rs2077852092, ClinGen allele CA2269176495.

ClinVar aggregate classification (germline): Pathogenic/Likely pathogenic. Review status: criteria provided, multiple submitters, no conflicts (2 of 4 stars). 2 submissions from 2 submitters: Pathogenic (1); Likely pathogenic (1). Last evaluated 2025-05-06.

Conditions:
Familial cancer of breast. Also called: Hereditary breast cancer; BREAST CANCER, FAMILIAL; hereditary breast carcinoma. Identifiers: Orphanet 227535, MedGen C0346153, MONDO:0016419, OMIM 114480. Disease mechanism: loss of function.
Fanconi anemia complementation group J. Also called: BRIP1-Related Fanconi Anemia. Identifiers: Orphanet 84, MedGen C1836860, MONDO:0012187, OMIM 609054.
Hereditary cancer-predisposing syndrome. Also called: Neoplastic Syndromes, Hereditary; Hereditary Cancer Syndrome; Tumor predisposition; Hereditary neoplastic syndrome. Identifiers: Orphanet 140162, MedGen C0027672, MeSH D009386, MONDO:0015356.

Submissions (2):

Labcorp Genetics (formerly Invitae), Labcorp
Classification: Pathogenic for Familial cancer of breast; Fanconi anemia complementation group J. Last evaluated: 2025-05-06. Review status: criteria provided, single submitter. Criteria: Invitae Variant Classification Sherloc (09022015). Collection method: clinical testing. Allele origin: germline.
Comment: This sequence change falls in intron 10 of the BRIP1 gene. It does not directly change the encoded amino acid sequence of the BRIP1 protein. RNA analysis indicates that this variant induces altered splicing and may result in an absent or altered protein product. This variant is not present in population databases (gnomAD no frequency). This variant has not been reported in the literature in individuals affected with BRIP1-related conditions. ClinVar contains an entry for this variant (Variation ID: 1465383). Variants that disrupt the consensus splice site are a relatively common cause of aberrant splicing (PMID: 17576681, 9536098). Studies have shown that this variant results in skipping of exon 10, and produces a non-functional protein and/or introduces a premature termination codon (internal data). For these reasons, this variant has been classified as Pathogenic.

Ambry Genetics
Classification: Likely pathogenic for Hereditary cancer-predisposing syndrome. Last evaluated: 2025-03-26. Review status: criteria provided, single submitter. Criteria: Ambry Variant Classification Scheme 2023. Collection method: clinical testing. Allele origin: germline.
Comment: The c.1473+3A>T intronic variant results from an A to T substitution 3 nucleotides after coding exon 9 in the BRIP1 gene. This nucleotide position is highly conserved in available vertebrate species. In silico splice site analysis predicts that this alteration will weaken the native splice donor site. RNA studies have demonstrated that this alteration results in abnormal splicing in the set of samples tested (Ambry internal data). This variant is considered to be rare based on population cohorts in the Genome Aggregation Database (gnomAD). Based on the majority of available evidence to date, this variant is likely to be pathogenic.

Literature cited by the submitters: PubMed 17576681 (cited by Labcorp Genetics (formerly Invitae), Labcorp); PubMed 9536098 (cited by Labcorp Genetics (formerly Invitae), Labcorp).